The following is an entry in ClinVar:

NM_001267550.2(TTN):c.10162C>T (p.Arg3388Trp)

Gene: TTN (titin; minus strand). Cytogenetic location: 2q31.2.
Variant type: single nucleotide variant.
Coding change: c.10162C>T on transcript NM_001267550.2 (MANE Select); coding-DNA position 10162, C replaced by T.
Protein change: p.Arg3388Trp; replaces arginine 3388 with tryptophan.
Molecular consequence: missense variant.
Genome position (GRCh38, 1-based): chr2:178,759,125, G>A on the plus strand (C>T on the coding strand, the complement: TTN is on the minus strand). VCF-style: chr2-178759125-G-A. GRCh37 (hg19) VCF-style: chr2-179623852-G-A.
Other names: c.10162C>T, p.Arg3388Trp (NM_001256850.1, NM_133378.4, NM_133379.5); c.10024C>T, p.Arg3342Trp (NM_003319.4, NM_133432.3, NM_133437.4); short protein forms R3342W, R3388W.
Identifiers: ClinVar variation 678316 (VCV000678316.3), dbSNP rs758680640, ClinGen allele CA2004159.

ClinVar aggregate classification (germline): Conflicting classifications of pathogenicity. Review status: criteria provided, conflicting classifications (1 of 4 stars). 2 submissions from 2 submitters: Uncertain significance (1); Likely benign (1). Last evaluated 2020-01-14.

Conditions:
Cardiovascular phenotype. Identifiers: MedGen CN230736.

Allele frequency attached by ClinVar (database versions not stated): gnomAD 0.00001; TOPMed 0.00001; ExAC 0.00002; gnomAD exomes 0.00002 and 0.00004.
gnomAD v4.1: 66 of 1,613,812 alleles (0.0041%); highest among the groups gnomAD compares: Admixed American, 0.0083%; no homozygotes.

Submissions (2):

Ambry Genetics
Classification: Uncertain significance for Cardiovascular phenotype. Last evaluated: 2020-01-14. Review status: criteria provided, single submitter. Criteria: Ambry Variant Classification Scheme 2023. Collection method: clinical testing. Allele origin: germline.
Comment: The p.R3342W variant (also known as c.10024C>T), located in coding exon 42 of the TTN gene, results from a C to T substitution at nucleotide position 10024. The arginine at codon 3342 is replaced by tryptophan, an amino acid with dissimilar properties. This amino acid position is not well conserved in available vertebrate species. In addition, the in silico prediction for this alteration is inconclusive. Since supporting evidence is limited at this time, the clinical significance of this alteration remains unclear.

GeneDx
Classification: Likely benign. Last evaluated: 2018-05-02. Review status: criteria provided, single submitter. Criteria: GeneDx Variant Classification (06012015). Collection method: clinical testing. Allele origin: germline. Affected: yes.
Comment: This variant is considered likely benign or benign based on one or more of the following criteria: it is a conservative change, it occurs at a poorly conserved position in the protein, it is predicted to be benign by multiple in silico algorithms, and/or has population frequency not consistent with disease.